The following is an entry in ClinVar:

ClinVar aggregate classification (germline): Likely benign. Review status: criteria provided, multiple submitters, no conflicts (2 of 4 stars). 3 submissions from 3 submitters: Likely benign (3). Last evaluated 2026-09-23.

Conditions:
WWOX-related disorder. Also called: WWOX-related condition.
Developmental and epileptic encephalopathy, 1 (DEE1). Also called: OHTAHARA SYNDROME, X-LINKED; INFANTILE SPASM SYNDROME, X-LINKED 1; X-linked infantile spasms; West's syndrome; Tonic spasms with clustering, arrest of psychomotor development and hypsarrhythmia on EEG; X-Linked Infantile Spasm Syndrome. Identifiers: MedGen C3463992, MONDO:0010632, OMIM 308350. Disease mechanism: loss of function.
Autosomal recessive spinocerebellar ataxia 12. Also called: SPINOCEREBELLAR ATAXIA WITH MENTAL RETARDATION AND EPILEPSY. Identifiers: Orphanet 284282, MedGen C3280452, MONDO:0013687, OMIM 614322.

Allele frequency attached by ClinVar (database versions not stated): ExAC 0.00004; 1000 Genomes Project 30x 0.00016; gnomAD 0.00017 and 0.00019; 1000 Genomes Project 0.00020; ESP Exome Variant Server 0.00024; TOPMed 0.00026.
gnomAD v4.1: 49 of 1,614,122 alleles (0.003%); highest among the groups gnomAD compares: African/African-American, 0.057%; no homozygotes.

Submissions (3):

PreventionGenetics, part of Exact Sciences
Classification: Likely benign for WWOX-related condition. Last evaluated: 2026-09-23. Review status: criteria provided, single submitter. Criteria: ACMG Guidelines, 2015. Collection method: clinical testing. Allele origin: germline.
Comment: This variant is classified as likely benign based on ACMG/AMP sequence variant interpretation guidelines (Richards et al. 2015 PMID: 25741868, with internal and published modifications).

Labcorp Genetics (formerly Invitae), Labcorp
Classification: Likely benign for Developmental and epileptic encephalopathy, 1; Autosomal recessive spinocerebellar ataxia 12. Last evaluated: 2025-07-27. Review status: criteria provided, single submitter. Criteria: Invitae Variant Classification Sherloc (09022015). Collection method: clinical testing. Allele origin: germline.

GeneDx
Classification: Likely benign. Last evaluated: 2021-09-29. Review status: criteria provided, single submitter. Criteria: GeneDx Variant Classification Process June 2021. Collection method: clinical testing. Allele origin: germline. Affected: yes.

NM_016373.4(WWOX):c.723G>A (p.Gln241=)

Gene: WWOX (WW domain containing oxidoreductase; plus strand). Cytogenetic location: 16q23.1.
Variant type: single nucleotide variant.
Coding change: c.723G>A on transcript NM_016373.4 (MANE Select); coding-DNA position 723, G replaced by A.
Protein change: p.Gln241=; no amino-acid change (glutamine 241 retained).
Molecular consequence: synonymous variant.
Genome position (GRCh38, 1-based): chr16:78,424,987, G>A. VCF-style: chr16-78424987-G-A. GRCh37 (hg19) VCF-style: chr16-78458884-G-A.
Other names: c.384G>A, p.Gln128= (NM_001291997.2).
Identifiers: ClinVar variation 384182 (VCV000384182.17), dbSNP rs191029309, ClinGen allele CA8183432.